The following is an entry in ClinVar:

NM_015130.3(TBC1D9):c.1526G>A (p.Arg509Gln)

Gene: TBC1D9 (TBC1 domain family member 9; minus strand). Cytogenetic location: 4q31.21.
Variant type: single nucleotide variant.
Coding change: c.1526G>A on transcript NM_015130.3 (MANE Select); coding-DNA position 1526, G replaced by A.
Protein change: p.Arg509Gln; replaces arginine 509 with glutamine.
Molecular consequence: missense variant.
Genome position (GRCh38, 1-based): chr4:140,668,979, C>T on the plus strand (G>A on the coding strand, the complement: TBC1D9 is on the minus strand). VCF-style: chr4-140668979-C-T. GRCh37 (hg19) VCF-style: chr4-141590133-C-T.
Other names: short protein forms R509Q.
Identifiers: ClinVar variation 4593226 (VCV004593226.1).

ClinVar aggregate classification (germline): Uncertain significance (1 of 4 stars; one submission).

gnomAD v4.1: 25 of 1,613,864 alleles (0.0015%); highest among the groups gnomAD compares: African/African-American, 0.004%; no homozygotes.

Submission:

Ambry Genetics
Classification: Uncertain significance. Last evaluated: 2025-09-22. Review status: criteria provided, single submitter. Criteria: Ambry Variant Classification Scheme 2023. Collection method: clinical testing. Allele origin: germline.
Comment: The c.1526G>A (p.R509Q) alteration is located in exon 9 (coding exon 9) of the TBC1D9 gene. This alteration results from a G to A substitution at nucleotide position 1526, causing the arginine (R) at amino acid position 509 to be replaced by a glutamine (Q). Based on data from gnomAD, the A allele has an overall frequency of 0.002% (5/280540) total alleles studied. The highest observed frequency was 0.008% (2/24212) of African alleles. Based on insufficient or conflicting evidence, the clinical significance of this alteration remains unclear.